The following is an entry in ClinVar:

NM_007294.4(BRCA1):c.275C>T (p.Ala92Val)

Gene: BRCA1 (BRCA1 DNA repair associated; minus strand). Cytogenetic location: 17q21.31.
Variant type: single nucleotide variant.
Coding change: c.275C>T on transcript NM_007294.4 (MANE Select); coding-DNA position 275, C replaced by T.
Protein change: p.Ala92Val; replaces alanine 92 with valine.
Molecular consequence: missense variant. On other transcripts: non-coding transcript variant (1).
Genome position (GRCh38, 1-based): chr17:43,104,894, G>A on the plus strand (C>T on the coding strand, the complement: BRCA1 is on the minus strand). VCF-style: chr17-43104894-G-A. GRCh37 (hg19) VCF-style: chr17-41256911-G-A.
Other names: c.65C>T, p.Ala22Val (NM_001407571.1, NM_001407853.1, NM_001407879.1 and 58 more transcripts); c.275C>T, p.Ala92Val (NM_001407581.1, NM_001407582.1, NM_001407583.1 and 168 more transcripts); c.197C>T, p.Ala66Val (NM_001407653.1, NM_001407654.1, NM_001407655.1 and 21 more transcripts); c.134C>T, p.Ala45Val (NM_001407692.1, NM_001407694.1, NM_001407695.1 and 99 more transcripts); c.-107C>T (NM_001407959.1, NM_001407960.1, NM_001407962.1 and 4 more transcripts); c.143C>T, p.Ala48Val (NM_001408451.1); short protein forms A45V, A92V, A22V, A66V, A48V.
Identifiers: ClinVar variation 868818 (VCV000868818.3), dbSNP rs1597898146, ClinGen allele CA10601604.
Genomic context (GRCh38, chr17:43,104,894, plus strand): 5'-CTTGAGTGTCATTCTTGGGATATTCAACACTTACACTCCAAACCTGTGTCAAGCTGAAAA[G>A]CACAAATGATTTTCAATAGCTCTTCAACAAGTTGACTAAATCTCGTACTTTCTTGTAGGC-3'
Protein context (NP_009225.1, residues 82-102): LVEELLKIIC[Ala92Val]FQLDTGLEYA

Conditions:
Breast-ovarian cancer, familial, susceptibility to, 1 (BROVCA1). Also called: BRCA1 Hereditary Breast and Ovarian Cancer; OVARIAN CANCER, SUSCEPTIBILITY TO. Identifiers: Orphanet 145, MedGen C2676676, MONDO:0011450, OMIM 604370. Disease mechanism: loss of function.

Submission:

Brotman Baty Institute, University of Washington
No classification provided (evidence only). Condition: Breast-ovarian cancer, familial 1. Review status: no classification provided. Collection method: in vitro. Allele origin: not applicable. Functional consequence: functionally_abnormal.
ClinVar note: "not provided" was previously submitted as the classification for the variant. However, the classification appeared to be based only on an observation of functional data so it was converted to no classification on 2025-07-30.